The following is an entry in ClinVar:

ClinVar aggregate classification (germline): Likely pathogenic (1 of 4 stars; one submission).

Conditions:
Mucopolysaccharidosis, MPS-II (MPS2). Also called: Hunter Syndrome; IDURONATE 2-SULFATASE DEFICIENCY; Mucopolysaccharidosis Type II; Mucopolysaccharidosis type 2; Attenuated MPS (subtype; formerly known as mild MPS II); Severe MPS II. Identifiers: Orphanet 580, Orphanet 79388, MedGen C0026705, MONDO:0010674, OMIM 309900.

Submission:

Laboratory of Diagnosis and Therapy of Lysosomal Disorders, University of Padova
Classification: Likely pathogenic for Mucopolysaccharidosis, MPS-II. Last evaluated: 2024-06-07. Review status: criteria provided, single submitter. Criteria: ACMG Guidelines, 2015. Collection method: literature only. Allele origin: germline. Affected: yes. Observed: 2 variant alleles.
Comment: Absent from controls (or at low frequency) in gnomAD database (PM2_Moderate), Missense variant in a gene with a low rate of benign missense variation (PP2_Supporting), Multiple lines of computational evidence support a deleterious effect (PP3_Supporting), Patient’s phenotype or family history highly specific for the disease (PP4_Strong)

Classification method: ACMG Guidelines [PMID:25741868] with modifications

Literature cited by the submitters: PubMed 7981716; PubMed 16738950.

NM_000202.8(IDS):c.879G>C (p.Gln293His)

Genes: IDS (iduronate 2-sulfatase; minus strand), LOC106050102 (IDS recombination region; plus strand). Cytogenetic location: Xq28.
Variant type: single nucleotide variant.
Coding change: c.879G>C on transcript NM_000202.8 (MANE Select); coding-DNA position 879, G replaced by C.
Protein change: p.Gln293His; replaces glutamine 293 with histidine.
Molecular consequence: missense variant. On other transcripts: non-coding transcript variant (1).
Genome position (GRCh38, 1-based): chrX:149,496,346, C>G on the plus strand (G>C on the coding strand, the complement: IDS is on the minus strand). VCF-style: chrX-149496346-C-G. GRCh37 (hg19) VCF-style: chrX-148577877-C-G.
Other names: c.609G>C, p.Gln203His (NM_001166550.4); c.879G>C, p.Gln293His (NM_006123.5); short protein forms Q203H, Q293H.
Identifiers: ClinVar variation 3255867 (VCV003255867.2).